The following is an entry in ClinVar:

ClinVar aggregate classification (germline): Uncertain significance. Review status: criteria provided, multiple submitters, no conflicts (2 of 4 stars). 2 submissions from 2 submitters: Uncertain significance (2). Last evaluated 2024-02-01.

Allele frequency attached by ClinVar (database versions not stated): gnomAD exomes 0.00002.
gnomAD v4.1: 23 of 1,210,472 alleles (0.0019%); highest among the groups gnomAD compares: Non-Finnish European, 0.0026%; no homozygotes.

Submissions (2):

CeGaT Center for Human Genetics Tuebingen
Classification: Uncertain significance. Last evaluated: 2024-02-01. Review status: criteria provided, single submitter. Criteria: CeGaT Center For Human Genetics Tuebingen Variant Classification Criteria Version 2. Collection method: clinical testing. Allele origin: germline. Affected: yes. Observed: 1 variant allele.
Comment: CNKSR2: PS4:Supporting

Blueprint Genetics
Classification: Uncertain significance. Last evaluated: 2022-04-14. Review status: criteria provided, single submitter. Criteria: ACMG Guidelines, 2015. Collection method: clinical testing. Allele origin: germline.

NM_014927.5(CNKSR2):c.1537C>T (p.Pro513Ser)

Gene: CNKSR2 (connector enhancer of kinase suppressor of Ras 2; plus strand). Cytogenetic location: Xp22.12.
Variant type: single nucleotide variant.
Coding change: c.1537C>T on transcript NM_014927.5 (MANE Select); coding-DNA position 1537, C replaced by T.
Protein change: p.Pro513Ser; replaces proline 513 with serine.
Molecular consequence: missense variant.
Genome position (GRCh38, 1-based): chrX:21,563,381, C>T. VCF-style: chrX-21563381-C-T. GRCh37 (hg19) VCF-style: chrX-21581499-C-T.
Other names: c.1447C>T, p.Pro483Ser (NM_001168647.3, NM_001330773.2); c.1537C>T, p.Pro513Ser (NM_001168648.3); c.1390C>T, p.Pro464Ser (NM_001168649.3, NM_001330770.2); c.1300C>T, p.Pro434Ser (NM_001330771.2, NM_001330772.2); short protein forms P434S, P464S, P483S, P513S.
Identifiers: ClinVar variation 3026531 (VCV003026531.23), dbSNP rs1160732613, ClinGen allele CA412552954.